The following is an entry in ClinVar:

NM_001079872.2(CUL4B):c.986T>C (p.Ile329Thr)

Gene: CUL4B (cullin 4B; minus strand). Cytogenetic location: Xq24.
Variant type: single nucleotide variant.
Coding change: c.986T>C on transcript NM_001079872.2 (MANE Select); coding-DNA position 986, T replaced by C.
Protein change: p.Ile329Thr; replaces isoleucine 329 with threonine.
Molecular consequence: missense variant.
Genome position (GRCh38, 1-based): chrX:120,544,578, A>G on the plus strand (T>C on the coding strand, the complement: CUL4B is on the minus strand). VCF-style: chrX-120544578-A-G. GRCh37 (hg19) VCF-style: chrX-119678433-A-G.
Other names: c.1001T>C, p.Ile334Thr (NM_001330624.2); c.452T>C, p.Ile151Thr (NM_001369145.1); c.1040T>C, p.Ile347Thr (NM_003588.4); short protein forms I151T, I329T, I334T, I347T.
Identifiers: ClinVar variation 1709339 (VCV001709339.2), dbSNP rs2521123687, ClinGen allele CA414199257.

ClinVar aggregate classification (germline): Uncertain significance (1 of 4 stars; one submission).

Conditions:
X-linked intellectual disability Cabezas type (MRXSC). Also called: CABEZAS SYNDROME; MENTAL RETARDATION, X-LINKED, SYNDROMIC 15; Intellectual developmental disorder, X-linked syndromic, Cabezas type. Identifiers: Orphanet 85289, Orphanet 85293, MedGen C1845861, MONDO:0010306, OMIM 300354.

Submission:

MGZ Medical Genetics Center
Classification: Uncertain significance for X-linked intellectual disability Cabezas type. Last evaluated: 2022-04-25. Review status: criteria provided, single submitter. Criteria: ACMG Guidelines, 2015. Collection method: clinical testing. Allele origin: germline. Affected: yes. Observed: 1 variant allele.
Comment: ACMG criteria applied: PM2_SUP, PP2